The following is an entry in ClinVar:

NM_002180.3(IGHMBP2):c.1708C>T (p.Arg570Ter)

Gene: IGHMBP2 (immunoglobulin mu DNA binding protein 2; plus strand). Cytogenetic location: 11q13.3.
Variant type: single nucleotide variant.
Coding change: c.1708C>T on transcript NM_002180.3 (MANE Select); coding-DNA position 1708, C replaced by T.
Protein change: p.Arg570Ter; replaces arginine 570 with a stop codon.
Molecular consequence: nonsense.
Genome position (GRCh38, 1-based): chr11:68,935,374, C>T. VCF-style: chr11-68935374-C-T. GRCh37 (hg19) VCF-style: chr11-68702842-C-T.
Other names: short protein forms R570*.
Identifiers: ClinVar variation 561032 (VCV000561032.17), dbSNP rs1000091588, ClinGen allele CA223412133.

ClinVar aggregate classification (germline): Pathogenic. Review status: criteria provided, multiple submitters, no conflicts (2 of 4 stars). 7 submissions from 7 submitters: Pathogenic (4). 3 of the submissions do not count toward it. Last evaluated 2026-01-25.

Conditions:
Distal spinal muscular atrophy. Also called: Distal hereditary motor neuropathy; Distal hereditary motor neuronopathy. Identifiers: Orphanet 53739, MedGen C0393541, MONDO:0018894.
Charcot-Marie-Tooth disease. Also called: Charcot-Marie-Tooth Neuropathy; Charcot-Marie-Tooth Hereditary Neuropathy. Identifiers: Orphanet 166, MedGen C0007959, MONDO:0015626.
Autosomal recessive distal spinal muscular atrophy 1. Also called: HMN VI; NEURONOPATHY, SEVERE INFANTILE AXONAL, WITH RESPIRATORY FAILURE; Spinal muscular atrophy with respiratory distress 1; NEURONOPATHY, DISTAL HEREDITARY MOTOR, HARDING TYPE VI; NEUROPATHY, DISTAL HEREDITARY MOTOR, AUTOSOMAL RECESSIVE 1; SEVERE INFANTILE AXONAL NEUROPATHY WITH RESPIRATORY FAILURE. Identifiers: Orphanet 98920, MedGen C1858517, MONDO:0011436, OMIM 604320.
Charcot-Marie-Tooth disease axonal type 2S. Also called: CHARCOT-MARIE-TOOTH NEUROPATHY, TYPE 2S; CHARCOT-MARIE-TOOTH DISEASE, AXONAL, AUTOSOMAL RECESSIVE, TYPE 2S. Identifiers: Orphanet 443073, MedGen C4015349, MONDO:0014511, OMIM 616155.

Allele frequency attached by ClinVar (database versions not stated): TOPMed 0.00001; gnomAD below 0.00001 and 0.00001; gnomAD exomes 0.00001.
gnomAD v4.1: 13 of 1,613,998 alleles (0.00081%); highest among the groups gnomAD compares: African/African-American, 0.0027%; no homozygotes.

Submissions (7):

Labcorp Genetics (formerly Invitae), Labcorp
Classification: Pathogenic for Autosomal recessive distal spinal muscular atrophy 1; Charcot-Marie-Tooth disease axonal type 2S. Last evaluated: 2026-01-25. Review status: criteria provided, single submitter. Criteria: Invitae Variant Classification Sherloc (09022015). Collection method: clinical testing. Allele origin: germline.
Comment: This sequence change creates a premature translational stop signal (p.Arg570*) in the IGHMBP2 gene. It is expected to result in an absent or disrupted protein product. Loss-of-function variants in IGHMBP2 are known to be pathogenic (PMID: 14681881, 25439726, 25568292). This variant is not present in population databases (gnomAD no frequency). This premature translational stop signal has been observed in individuals with spinal muscular atrophy with respiratory distress (SMARD) (PMID: 17431882). ClinVar contains an entry for this variant (Variation ID: 561032). Algorithms developed to predict the effect of sequence changes on RNA splicing suggest that this variant may disrupt the consensus splice site. For these reasons, this variant has been classified as Pathogenic.

Dasa
Classification: Pathogenic. Last evaluated: 2024-11-02. Review status: criteria provided, single submitter. Criteria: DASA Assertion Criteria. Collection method: clinical testing. Allele origin: germline.
Comment: NM_002180.3(IGHMBP2):c.1708C>T (p.Arg570*) introduces a premature termination codon predicted to result in loss of normal protein function. Loss-of-function is an established mechanism of disease for this gene. This variant has been observed in affected individuals with related phenotype in a genotype context consistent with recessive disease (PMID: 17431882). This variant has been reported in individuals with related phenotype (PMID: 17431882). The variant is present at low frequency in population datasets. Based on the available data, this variant is classified as pathogenic.

Baylor Genetics
Classification: Pathogenic for Autosomal recessive distal spinal muscular atrophy 1. Last evaluated: 2017-09-01. Review status: criteria provided, single submitter. Criteria: ACMG Guidelines, 2015. Collection method: clinical testing. Allele origin: germline. Inheritance: Autosomal recessive inheritance. Affected: yes.

Neuberg Centre For Genomic Medicine, NCGM
Classification: Pathogenic for Autosomal recessive distal spinal muscular atrophy 1. Review status: criteria provided, single submitter. Criteria: ACMG Guidelines, 2015. Collection method: clinical testing. Allele origin: germline. Affected: yes.
Comment: The stop gained p.R570* in IGHMBP2 (NM_002180.3) has been reported in combination with a second IGHMBP2 variant in an individual affected with spinal muscular atrophy with respiratory distress (SMARD) (Ulf-Peter Guenther et al, 2007). The observed variant has been reported to ClinVar as Pathogenic. The p.R570* variant is novel (not in any individuals) in gnomAD Exomes and is novel (not in any individuals) in 1000 Genomes. This variant is predicted to cause loss of normal protein function through protein truncation. For these reasons, this variant has been classified as Pathogenic.

Genesis Genome Database
Classification: Uncertain significance for Charcot-Marie-Tooth disease. Last evaluated: 2019-08-14. Review status: no assertion criteria provided. Collection method: research. Allele origin: germline. Affected: yes. Not counted in ClinVar's aggregate classification.

Inherited Neuropathy Consortium
Classification: Uncertain significance for Distal spinal muscular atrophy. Review status: no assertion criteria provided. Collection method: literature only. Allele origin: germline. Affected: yes. Not counted in ClinVar's aggregate classification.

Next Generation Genetic Polyclinic
Classification: Pathogenic for Autosomal recessive distal spinal muscular atrophy 1. Review status: no assertion criteria provided. Collection method: clinical testing. Allele origin: inherited. Affected: yes. Not counted in ClinVar's aggregate classification.

Literature cited by the submitters: PubMed 14681881 (cited by Labcorp Genetics (formerly Invitae), Labcorp); PubMed 25439726 (cited by Labcorp Genetics (formerly Invitae), Labcorp); PubMed 25568292 (cited by Labcorp Genetics (formerly Invitae), Labcorp); PubMed 17431882 (cited by 4 submitters); PubMed 25326635 (cited by Baylor Genetics).